The following is an entry in ClinVar:

NM_001267550.2(TTN):c.59573_59574dup (p.Val19859fs)

Genes: TTN (titin; minus strand), TTN-AS1 (TTN antisense RNA 1; plus strand), LOC126806424 (CDK7 strongly-dependent group 2 enhancer GRCh37_chr2:179456337-179457536; plus strand). Cytogenetic location: 2q31.2.
Variant type: Duplication.
Coding change: c.59573_59574dup on transcript NM_001267550.2 (MANE Select); coding-DNA positions 59573 to 59574, 2 bases duplicated (CA; older notation c.59573_59574dupCA).
Protein change: p.Val19859fs; shifts the reading frame from valine 19859.
Molecular consequence: frameshift variant.
Genome position (GRCh38, 1-based): chr2:178,592,431-178,592,432, TG duplicated on the plus strand (CA on the coding strand, the reverse complement: TTN is on the minus strand); duplicating any 2 consecutive bases within chr2:178,592,431-178,592,433 gives the same sequence; the c. name uses the placement nearest the transcript's 3' end. VCF-style (leftmost placement, unchanged base first): chr2-178592430-C-CTG. GRCh37 (hg19) VCF-style: chr2-179457157-C-CTG.
Other names: c.54650_54651dup, p.Val18218fs (NM_001256850.1); c.32378_32379dup, p.Val10794fs (NM_003319.4); c.51869_51870dup, p.Val17291fs (NM_133378.4); c.32753_32754dup, p.Val10919fs (NM_133432.3); c.32954_32955dup, p.Val10986fs (NM_133437.4); short protein forms V10794fs, V10919fs, V10986fs, V17291fs, V18218fs, V19859fs.
Identifiers: ClinVar variation 5038426 (VCV005038426.1).
Genomic context (GRCh38, chr2:178,592,430, plus strand): 5'-AATTCTTACCTAATACAAGTACTTTTACTGAGACAGTTTTTGAACCAGCTGGATTCTCCA[C>CTG]TGTTAAAGAATAAATTCCACCATCTTCATGGGCAGCATTACGAATTTCAAGCTTGCTACC-3'

ClinVar aggregate classification (germline): Likely pathogenic (1 of 4 stars; one submission).

Conditions:
Dilated and arrhythmogenic cardiomyopathy.

Submission:

North West Genomic Laboratory Hub, Manchester University NHS Foundation Trust
Classification: Likely pathogenic for Dilated and arrhythmogenic cardiomyopathy. Last evaluated: 2024-09-20. Review status: criteria provided, single submitter. Criteria: ACGS Best Practice Guidelines for Variant Classification in Rare Disease 2020. Collection method: clinical testing. Allele origin: germline. Affected: yes.
Comment: PVS1_Str PM2_Mod